The following is an entry in ClinVar:

NM_178857.6(RP1L1):c.2295C>T (p.Asp765=)

Gene: RP1L1 (RP1 like 1). Cytogenetic location: 8p23.1.
Variant type: single nucleotide variant.
Coding change: c.2295C>T on transcript NM_178857.6 (MANE Select); coding-DNA position 2295, C replaced by T.
Protein change: p.Asp765=; no amino-acid change (aspartic acid 765 retained).
Molecular consequence: synonymous variant.
Genome position (GRCh38, 1-based): chr8:10,611,803, G>A on the plus strand (C>T on the coding strand, the complement: RP1L1 is on the minus strand). VCF-style: chr8-10611803-G-A. GRCh37 (hg19) VCF-style: chr8-10469313-G-A.
Other names: c.2295C>T (NM_178857.5).
Identifiers: ClinVar variation 810255 (VCV000810255.45), dbSNP rs193225741, ClinGen allele CA4624883.

ClinVar aggregate classification (germline): Conflicting classifications of pathogenicity. Review status: criteria provided, conflicting classifications (1 of 4 stars). 4 submissions from 4 submitters: Uncertain significance (2); Likely benign (2). Last evaluated 2025-11-04.

Conditions:
RP1L1-related disorder. Also called: RP1L1-related condition.

Allele frequency attached by ClinVar (database versions not stated): gnomAD 0.00010 and 0.00011; ExAC 0.00012; gnomAD exomes 0.00012; TOPMed 0.00015; 1000 Genomes Project 30x 0.00016; 1000 Genomes Project 0.00020.
gnomAD v4.1: 175 of 1,613,634 alleles (0.011%); highest among the groups gnomAD compares: Middle Eastern, 0.033%; no homozygotes.

Submissions (4):

PreventionGenetics, part of Exact Sciences
Classification: Likely benign for RP1L1-related condition. Last evaluated: 2025-11-04. Review status: criteria provided, single submitter. Criteria: ACMG Guidelines, 2015. Collection method: clinical testing. Allele origin: germline.
Comment: This variant is classified as likely benign based on ACMG/AMP sequence variant interpretation guidelines (Richards et al. 2015 PMID: 25741868, with internal and published modifications).

Blueprint Genetics
Classification: Likely benign. Last evaluated: 2024-11-22. Review status: criteria provided, single submitter. Criteria: ACMG Guidelines, 2015. Collection method: clinical testing. Allele origin: germline.

CeGaT Center for Human Genetics Tuebingen
Classification: Uncertain significance. Last evaluated: 2017-07-01. Review status: criteria provided, single submitter. Criteria: CeGaT Center For Human Genetics Tuebingen Variant Classification Criteria Version 2. Collection method: clinical testing. Allele origin: germline. Affected: yes. Observed: 1 variant allele.

Breakthrough Genomics
Classification: Uncertain significance. Review status: criteria provided, single submitter. Criteria: ACMG Guidelines, 2015. Collection method: not provided. Allele origin: germline. Inheritance: Autosomal recessive inheritance. Affected: yes.